The following is an entry in ClinVar:

NM_000353.3(TAT):c.169C>T (p.Arg57Ter)

Gene: TAT (tyrosine aminotransferase; minus strand). Cytogenetic location: 16q22.2.
Variant type: single nucleotide variant.
Coding change: c.169C>T on transcript NM_000353.3 (MANE Select); coding-DNA position 169, C replaced by T.
Protein change: p.Arg57Ter; replaces arginine 57 with a stop codon.
Molecular consequence: nonsense.
Genome position (GRCh38, 1-based): chr16:71,576,247, G>A on the plus strand (C>T on the coding strand, the complement: TAT is on the minus strand). VCF-style: chr16-71576247-G-A. GRCh37 (hg19) VCF-style: chr16-71610150-G-A.
Other names: short protein forms R57*.
Identifiers: ClinVar variation 402 (VCV000000402.11), dbSNP rs118203914, ClinGen allele CA114240.

ClinVar aggregate classification (germline): Pathogenic. Review status: criteria provided, multiple submitters, no conflicts (2 of 4 stars). 5 submissions from 5 submitters: Pathogenic (3). 2 of the submissions do not count toward it. Last evaluated 2024-03-20.

Conditions:
Tyrosinemia type II (TYRSN2). Also called: KERATOSIS PALMOPLANTARIS WITH CORNEAL DYSTROPHY; OREGON TYPE TYROSINEMIA; TAT DEFICIENCY; TYROSINE AMINOTRANSFERASE DEFICIENCY; TYROSINE TRANSAMINASE DEFICIENCY. Identifiers: Orphanet 28378, MedGen C0268487, MONDO:0010160, OMIM 276600.

Allele frequency attached by ClinVar (database versions not stated): gnomAD exomes below 0.00001 and 0.00002; ExAC 0.00001; TOPMed 0.00001.

Submissions (5):

Baylor Genetics
Classification: Pathogenic for Tyrosinemia type II. Last evaluated: 2024-03-20. Review status: criteria provided, single submitter. Criteria: ACMG Guidelines, 2015. Collection method: clinical testing. Allele origin: unknown.

Labcorp Genetics (formerly Invitae), Labcorp
Classification: Pathogenic for Tyrosinemia type II. Last evaluated: 2024-03-06. Review status: criteria provided, single submitter. Criteria: Invitae Variant Classification Sherloc (09022015). Collection method: clinical testing. Allele origin: germline.
Comment: This sequence change creates a premature translational stop signal (p.Arg57*) in the TAT gene. It is expected to result in an absent or disrupted protein product. Loss-of-function variants in TAT are known to be pathogenic (PMID: 9544843). This variant is present in population databases (rs118203914, gnomAD 0.003%). This premature translational stop signal has been observed in individuals with tyrosinemia (PMID: 1357662, 9544843). It has also been observed to segregate with disease in related individuals. ClinVar contains an entry for this variant (Variation ID: 402). For these reasons, this variant has been classified as Pathogenic.

GeneDx
Classification: Pathogenic. Last evaluated: 2018-07-26. Review status: criteria provided, single submitter. Criteria: GeneDx Variant Classification (06012015). Collection method: clinical testing. Allele origin: germline. Affected: yes.
Comment: The R57X variant in the TAT gene has been reported previously in association with autosomal recessive tyrosinemia type II, when present in the homozygous state or when in trans with another disease-causing variant (Natt et al., 1992; Huhn et al., 1998). This variant is predicted to cause loss of normal protein function either through protein truncation or nonsense-mediated mRNA decay. The R57X variant is not observed at a significant frequency in large population cohorts (Lek et al., 2016). We interpret R57X as a pathogenic variant.

Counsyl
Classification: Likely pathogenic for Tyrosinemia type II. Last evaluated: 2018-01-30. Review status: no assertion criteria provided. Collection method: clinical testing. Allele origin: unknown. Not counted in ClinVar's aggregate classification.

OMIM
Classification: Pathogenic for TYROSINEMIA, TYPE II. Last evaluated: 1992-10-01. Review status: no assertion criteria provided. Collection method: literature only. Allele origin: germline. Not counted in ClinVar's aggregate classification.

Literature cited by the submitters: PubMed 9544843 (cited by Labcorp Genetics (formerly Invitae), Labcorp and Counsyl); PubMed 1357662 (cited by Labcorp Genetics (formerly Invitae), Labcorp and OMIM).